The following is an entry in ClinVar:

ClinVar aggregate classification (germline): Benign (1 of 4 stars; one submission).

Conditions:
CEDNIK syndrome. Also called: Cerebral dysgenesis, neuropathy, ichthyosis, and palmoplantar keratoderma; CEREBRAL DYSGENESIS, NEUROPATHY, ICHTHYOSIS, AND PALMOPLANTAR KERATODERMA SYNDROME. Identifiers: Orphanet 66631, MedGen C1836033, MONDO:0012290, OMIM 609528.

Allele frequency attached by ClinVar (database versions not stated): TOPMed 0.00007; 1000 Genomes Project 30x 0.00328; 1000 Genomes Project 0.00399.

Submission:

Illumina Laboratory Services, Illumina
Classification: Benign for CEDNIK syndrome. Last evaluated: 2018-01-12. Review status: criteria provided, single submitter. Criteria: ICSL Variant Classification Criteria 13 December 2019. Collection method: clinical testing. Allele origin: germline.
Comment: This variant was observed in the ICSL laboratory as part of a predisposition screen in an ostensibly healthy population. It had not been previously curated by ICSL or reported in the Human Gene Mutation Database (HGMD: prior to June 1st, 2018), and was therefore a candidate for classification through an automated scoring system. Utilizing variant allele frequency, disease prevalence and penetrance estimates, and inheritance mode, an automated score was calculated to assess if this variant is too frequent to cause the disease. Based on the score and internal cut-off values, a variant classified as benign is not then subjected to further curation. The score for this variant resulted in a classification of benign for this disease.

NM_004782.4(SNAP29):c.*2796G>A

Gene: SNAP29 (synaptosome associated protein 29; plus strand). Cytogenetic location: 22q11.21.
Variant type: single nucleotide variant.
Coding change: c.*2796G>A on transcript NM_004782.4 (MANE Select); 2796 bases downstream of the stop codon, G replaced by A.
Molecular consequence: 3 prime UTR variant.
Genome position (GRCh38, 1-based): chr22:20,890,632, G>A. VCF-style: chr22-20890632-G-A. GRCh37 (hg19) VCF-style: chr22-21244920-G-A.
Identifiers: ClinVar variation 901966 (VCV000901966.4), dbSNP rs562935601, ClinGen allele CA322278748.
Genomic context (GRCh38, chr22:20,890,632, plus strand): 5'-ACGGTGAAACCCCATCTCTACTAAAAACACACAAAAAATTAGCTGGGCGTGGTGGTGGGC[G>A]CCTGTAGTCCCAGCTACTCAGGAGGCTGAGGCAGGAGAATGGCATGAACCTGGGAGGCAG-3'